The following is an entry in ClinVar:

ClinVar aggregate classification (germline): Pathogenic. Review status: reviewed by expert panel (3 of 4 stars). 2 submissions from 2 submitters: Pathogenic (1). 1 of the submissions does not count toward it. Last evaluated 2023-12-09.

Conditions:
Hereditary thrombocytopenia and hematologic cancer predisposition syndrome. Identifiers: Orphanet 71290, MedGen CN281654, MONDO:0011071.
Hereditary thrombocytopenia and hematological cancer predisposition syndrome associated with RUNX1. Also called: PLATELET DISORDER, ASPIRIN-LIKE; RUNX1 Familial Platelet Disorder with Associated Myeloid Malignancies; Familial Platelet Disorder with Propensity to Acute Myelogenous Leukemia; Familial thrombocytopenia with propensity to acute myelogenous leukemia. Identifiers: Orphanet 71290, MedGen C1832388, MeSH C563324, MONDO:0100083, OMIM 601399.

Submissions (2):

ClinGen Myeloid Malignancy Variant Curation Expert Panel
Classification: Pathogenic for Hereditary thrombocytopenia and hematologic cancer predisposition syndrome. Last evaluated: 2023-12-09. Review status: reviewed by expert panel. Criteria: ClinGen MyeloMalig ACMG Specifications v2. Collection method: curation. Allele origin: germline. Inheritance: Autosomal dominant inheritance.
Comment: The NM_001754.5(RUNX1):c.802C>T (p.Gln268Ter) is a nonsense variant that is predicted to cause a premature stop codon in biologically-relevant exon 7/9 which is present in all biologically transcripts. The variant is predicted to undergo nonsense mediated decay in a gene in which loss-of-function is an established mechanism (nonsense c.98-c.916 as per VCEP specifications) (PVS1).This variant is completely absent from all population databases with at least 20x coverage for RUNX1 (PM2_Supporting). This nonsense variant is downstream of c.98 in transcript NM_001754.4 (PM5_Supporting). This variant has been reported in one proband meeting at least one of the RUNX1-phenotypic criteria (PS4_Supporting; PMID: 36736831). The same case was proven to be de novo (PS2_Supporting). In summary, this variant meets the criteria to be classified as pathogenic. ACMG/AMP criteria applied, as specified by the Myeloid Malignancy Variant Curation Expert Panel for RUNX1: PVS1, PM2_supporting, PM5_supporting, PS2_supporting, PS4_supporting.

ISTH-SSC Genomics in Thrombosis and Hemostasis, KU Leuven, Center for Molecular and Vascular Biology
Classification: Pathogenic for Hereditary thrombocytopenia and hematological cancer predisposition syndrome associated with RUNX1. Review status: criteria provided, single submitter. Criteria: ACMG Guidelines, 2015. Collection method: clinical testing. Allele origin: germline. Affected: yes. Observed: 1 heterozygote. Not counted in ClinVar's aggregate classification.
Comment: Submitted to GoldVariant by Jose María Bastida and José Rivera; Grupo Español de Alteraciones Plaquetarias Congénitas (GEAPC)

NM_001754.5(RUNX1):c.802C>T (p.Gln268Ter)

Gene: RUNX1 (RUNX family transcription factor 1; minus strand). Cytogenetic location: 21q22.12.
Variant type: single nucleotide variant.
Coding change: c.802C>T on transcript NM_001754.5 (MANE Select); coding-DNA position 802, C replaced by T.
Protein change: p.Gln268Ter; replaces glutamine 268 with a stop codon.
Molecular consequence: nonsense.
Genome position (GRCh38, 1-based): chr21:34,834,413, G>A on the plus strand (C>T on the coding strand, the complement: RUNX1 is on the minus strand). VCF-style: chr21-34834413-G-A. GRCh37 (hg19) VCF-style: chr21-36206710-G-A.
Other names: NM_001754.5(RUNX1):c.802C>T; p.Gln268Ter; c.721C>T, p.Gln241Ter (NM_001001890.3, NM_001122607.2); short protein forms Q241*, Q268*.
Identifiers: ClinVar variation 1684407 (VCV001684407.4), dbSNP rs2146074437, ClinGen allele CA410206653.